The following is an entry in ClinVar:

ClinVar aggregate classification (germline): Likely benign. Review status: criteria provided, multiple submitters, no conflicts (2 of 4 stars). 3 submissions from 3 submitters: Likely benign (3). Last evaluated 2024-09-06.

Conditions:
Early-infantile DEE. Also called: Early infantile epileptic encephalopathy; Ohtahara syndrome; Early infantile epileptic encephalopathy with suppression bursts. Identifiers: Orphanet 1934, MedGen C0393706, MONDO:0800491.

Allele frequency attached by ClinVar (database versions not stated): gnomAD exomes 0.00001 and 0.00002; ExAC 0.00003; gnomAD 0.00003 and 0.00004; TOPMed 0.00004.

Submissions (3):

Labcorp Genetics (formerly Invitae), Labcorp
Classification: Likely benign for Early-infantile DEE. Last evaluated: 2024-09-06. Review status: criteria provided, single submitter. Criteria: Invitae Variant Classification Sherloc (09022015). Collection method: clinical testing. Allele origin: germline.

CeGaT Center for Human Genetics Tuebingen
Classification: Likely benign. Last evaluated: 2024-08-01. Review status: criteria provided, single submitter. Criteria: CeGaT Center For Human Genetics Tuebingen Variant Classification Criteria Version 2. Collection method: clinical testing. Allele origin: germline. Affected: yes. Observed: 1 variant allele.
Comment: SLC25A22: BP4, BP7

GeneDx
Classification: Likely benign. Last evaluated: 2020-03-10. Review status: criteria provided, single submitter. Criteria: GeneDx Variant Classification Process June 2021. Collection method: clinical testing. Allele origin: germline. Affected: yes.

NM_001191061.2(SLC25A22):c.636C>T (p.Asn212=)

Gene: SLC25A22 (solute carrier family 25 member 22; minus strand). Cytogenetic location: 11p15.5.
Variant type: single nucleotide variant.
Coding change: c.636C>T on transcript NM_001191061.2 (MANE Select); coding-DNA position 636, C replaced by T.
Protein change: p.Asn212=; no amino-acid change (asparagine 212 retained).
Molecular consequence: synonymous variant.
Genome position (GRCh38, 1-based): chr11:792,410, G>A on the plus strand (C>T on the coding strand, the complement: SLC25A22 is on the minus strand). VCF-style: chr11-792410-G-A. GRCh37 (hg19) VCF-style: chr11-792410-G-A.
Other names: c.636C>T, p.Asn212= (NM_001191060.2, NM_024698.6).
Identifiers: ClinVar variation 517990 (VCV000517990.30), dbSNP rs760280356, ClinGen allele CA5789113.